The following is an entry in ClinVar:

NC_000006.11:g.(?_135679250)_(135788792_?)del

Gene: AHI1 (Abelson helper integration site 1; minus strand). Cytogenetic location: 6q23.3.
Variant type: Deletion.
Identifiers: ClinVar variation 3245979 (VCV003245979.1).

ClinVar aggregate classification (germline): Pathogenic (1 of 4 stars; one submission).

Conditions:
Joubert syndrome. Also called: CEREBELLOPARENCHYMAL DISORDER IV; JOUBERT-BOLTSHAUSER SYNDROME; Familial aplasia of the vermis. Identifiers: Orphanet 475, MedGen C5979921, MONDO:0018772.

Submission:

Labcorp Genetics (formerly Invitae), Labcorp
Classification: Pathogenic for Joubert syndrome. Last evaluated: 2023-02-24. Review status: criteria provided, single submitter. Criteria: Invitae Variant Classification Sherloc (09022015). Collection method: clinical testing. Allele origin: unknown.
Comment: This variant is a gross deletion of the genomic region encompassing exon(s) 5-23 of the AHI1 gene. This variant would be expected to be in-frame, preserving the integrity of the reading frame. This variant has not been reported in the literature in individuals affected with AHI1-related conditions. This variant disrupts a region of the AHI1 protein in which other variant(s) (p.His896Arg) have been determined to be pathogenic (PMID: 16155189, 28442542; Invitae). This suggests that this is a clinically significant region of the protein, and that variants that disrupt it are likely to be disease-causing. For these reasons, this variant has been classified as Pathogenic.

Literature cited by the submitters: PubMed 16155189; PubMed 28442542.